The following is an entry in ClinVar:

ClinVar aggregate classification (germline): Uncertain significance (1 of 4 stars; one submission).

Conditions:
Usher syndrome type 1 (USH1). Also called: RETINITIS PIGMENTOSA AND CONGENITAL DEAFNESS. Identifiers: Orphanet 231169, Orphanet 886, MedGen C1568247, MONDO:0010168, OMIM 276900.

Allele frequency attached by ClinVar (database versions not stated): gnomAD exomes below 0.00001.
gnomAD v4.1: 1 of 1,612,274 alleles (0.000062%); highest among the groups gnomAD compares: African/African-American, 0.0013%; no homozygotes.

Submission:

Institute of Human Genetics, University of Leipzig Medical Center
Classification: Uncertain significance for Usher syndrome type 1. Last evaluated: 2023-08-24. Review status: criteria provided, single submitter. Criteria: ACMG Guidelines, 2015. Collection method: clinical testing. Allele origin: maternal. Inheritance: Autosomal recessive inheritance. Affected: yes.
Comment: Criteria applied: PM2_SUP,PP3,PM3

NM_000260.4(MYO7A):c.5043+3A>G

Gene: MYO7A (myosin VIIA; plus strand). Cytogenetic location: 11q13.5.
Variant type: single nucleotide variant.
Coding change: c.5043+3A>G on transcript NM_000260.4 (MANE Select); 3 bases into the intron after coding-DNA position 5043, A replaced by G.
Molecular consequence: intron variant.
Genome position (GRCh38, 1-based): chr11:77,201,641, A>G. VCF-style: chr11-77201641-A-G. GRCh37 (hg19) VCF-style: chr11-76912686-A-G.
Other names: c.4896+3A>G (NM_001369365.1); c.4929+3A>G (NM_001127180.2).
Identifiers: ClinVar variation 2578424 (VCV002578424.3), dbSNP rs2497635356, ClinGen allele CA645584039.